The following is an entry in ClinVar:

NM_005592.4(MUSK):c.2573G>A (p.Arg858His)

Gene: MUSK (muscle associated receptor tyrosine kinase; plus strand). Cytogenetic location: 9q31.3.
Variant type: single nucleotide variant.
Coding change: c.2573G>A on transcript NM_005592.4 (MANE Select); coding-DNA position 2573, G replaced by A.
Protein change: p.Arg858His; replaces arginine 858 with histidine.
Molecular consequence: missense variant.
Genome position (GRCh38, 1-based): chr9:110,800,951, G>A. VCF-style: chr9-110800951-G-A. GRCh37 (hg19) VCF-style: chr9-113563231-G-A.
Other names: c.2315G>A, p.Arg772His (NM_001166280.2); c.2285G>A, p.Arg762His (NM_001166281.2); c.1313G>A, p.Arg438His (NM_001369398.1); short protein forms R858H, R438H, R762H, R772H.
Identifiers: ClinVar variation 364617 (VCV000364617.17), dbSNP rs34115159, ClinGen allele CA5184651.

ClinVar aggregate classification (germline): Benign/Likely benign. Review status: criteria provided, multiple submitters, no conflicts (2 of 4 stars). 3 submissions from 3 submitters: Benign (1); Likely benign (1). 1 of the submissions does not count toward it. Last evaluated 2026-01-02.

Conditions:
MUSK-related disorder. Also called: MUSK-related disorders; MUSK-related condition.
Congenital myasthenic syndrome 9. Also called: Myasthenic syndrome, congenital, 9, associated with acetylcholine receptor deficiency. Identifiers: Orphanet 590, MedGen C4225368, MONDO:0014587, OMIM 616325.
Fetal akinesia deformation sequence 1 (FADS1). Also called: Pena-Shokeir syndrome type I; Fetal akinesia sequence. Identifiers: Orphanet 994, MedGen C1276035, MONDO:0100101, OMIM 208150, HP:0001989.

Allele frequency attached by ClinVar (database versions not stated): ESP Exome Variant Server 0.00008; gnomAD 0.00032 and 0.00049; TOPMed 0.00049; ExAC 0.00121; gnomAD exomes 0.00136; 1000 Genomes Project 30x 0.00297; 1000 Genomes Project 0.00300.
gnomAD v4.1: 693 of 1,523,288 alleles (0.045%); highest among the groups gnomAD compares: East Asian, 1.4%; 1 homozygote.

Submissions (3):

Labcorp Genetics (formerly Invitae), Labcorp
Classification: Benign for Congenital myasthenic syndrome 9; Fetal akinesia deformation sequence 1. Last evaluated: 2026-01-02. Review status: criteria provided, single submitter. Criteria: Invitae Variant Classification Sherloc (09022015). Collection method: clinical testing. Allele origin: germline.

Illumina Laboratory Services, Illumina
Classification: Likely benign for Congenital myasthenic syndrome 9. Last evaluated: 2018-01-12. Review status: criteria provided, single submitter. Criteria: ICSL Variant Classification Criteria 13 December 2019. Collection method: clinical testing. Allele origin: germline.
Comment: This variant was observed in the ICSL laboratory as part of a predisposition screen in an ostensibly healthy population. It had not been previously curated by ICSL or reported in the Human Gene Mutation Database (HGMD: prior to June 1st, 2018), and was therefore a candidate for classification through an automated scoring system. Utilizing variant allele frequency, disease prevalence and penetrance estimates, and inheritance mode, an automated score was calculated to assess if this variant is too frequent to cause the disease. Based on the score and internal cut-off values, a variant classified as likely benign is not then subjected to further curation. The score for this variant resulted in a classification of likely benign for this disease.

PreventionGenetics, part of Exact Sciences
Classification: Benign for MUSK-related condition. Last evaluated: 2019-04-01. Review status: no assertion criteria provided. Collection method: clinical testing. Allele origin: germline. Not counted in ClinVar's aggregate classification.
Comment: This variant is classified as benign based on ACMG/AMP sequence variant interpretation guidelines (Richards et al. 2015 PMID: 25741868, with internal and published modifications).